The following is an entry in ClinVar:

NM_024312.5(GNPTAB):c.3273_3280del (p.Val1091_Thr1092insTer)

Gene: GNPTAB (N-acetylglucosamine-1-phosphate transferase subunits alpha and beta; minus strand). Cytogenetic location: 12q23.2.
Variant type: Deletion.
Coding change: c.3273_3280del on transcript NM_024312.5 (MANE Select); coding-DNA positions 3273 to 3280, 8 bases deleted (AACAAACT; older notation c.3273_3280delAACAAACT).
Protein change: p.Val1091_Thr1092insTer.
Molecular consequence: frameshift variant.
Genome position (GRCh38, 1-based): chr12:101,757,627-101,757,634, AGTTTGTT deleted on the plus strand (AACAAACT on the coding strand, the reverse complement: GNPTAB is on the minus strand); deleting any 8 consecutive bases within chr12:101,757,627-101,757,635 gives the same sequence; the c. name uses the placement nearest the transcript's 3' end. VCF-style (leftmost placement, unchanged base first): chr12-101757626-CAGTTTGTT-C. GRCh37 (hg19) VCF-style: chr12-102151404-CAGTTTGTT-C.
Identifiers: ClinVar variation 2948257 (VCV002948257.3), dbSNP rs2547951831, ClinGen allele CA2740092544.

ClinVar aggregate classification (germline): Pathogenic (1 of 4 stars; one submission).

Conditions:
Mucolipidosis type II. Also called: ML II ALPHA/BETA; Mucolipidosis 2; ML 2; Inclusion cell disease; Leroy Disease; N-acetylglucosamine 1phosphotransferase deficiency. Identifiers: Orphanet 576, MedGen C2673377, MONDO:0009650, OMIM 252500.
Pseudo-Hurler polydystrophy. Also called: ML III; ML III ALPHA/BETA; Type III Mucolipidosis; ML IIIA; Mucolipidosis III Alpha/Beta; MUCOLIPIDOSIS IIIA. Identifiers: Orphanet 423461, Orphanet 577, MedGen C0033788, MONDO:0018931, OMIM 252600.

Submission:

Labcorp Genetics (formerly Invitae), Labcorp
Classification: Pathogenic for Pseudo-Hurler polydystrophy; Mucolipidosis type II. Last evaluated: 2023-05-26. Review status: criteria provided, single submitter. Criteria: Invitae Variant Classification Sherloc (09022015). Collection method: clinical testing. Allele origin: germline.
Comment: For these reasons, this variant has been classified as Pathogenic. This variant has not been reported in the literature in individuals affected with GNPTAB-related conditions. This variant is not present in population databases (gnomAD no frequency). This sequence change creates a premature translational stop signal (p.Thr1092*) in the GNPTAB gene. It is expected to result in an absent or disrupted protein product. Loss-of-function variants in GNPTAB are known to be pathogenic (PMID: 19617216, 25107912).

Literature cited by the submitters: PubMed 19617216; PubMed 25107912.